The following is an entry in ClinVar:

NM_001291415.2(KDM6A):c.25G>C (p.Ala9Pro)

Gene: KDM6A (lysine demethylase 6A; plus strand). Cytogenetic location: Xp11.3.
Variant type: single nucleotide variant.
Coding change: c.25G>C on transcript NM_001291415.2 (MANE Select); coding-DNA position 25, G replaced by C.
Protein change: p.Ala9Pro; replaces alanine 9 with proline.
Molecular consequence: missense variant. On other transcripts: 5 prime UTR variant (1), non-coding transcript variant (1).
Genome position (GRCh38, 1-based): chrX:44,873,576, G>C. VCF-style: chrX-44873576-G-C. GRCh37 (hg19) VCF-style: chrX-44732822-G-C.
Other names: c.25G>C, p.Ala9Pro (NM_001291417.2, NM_001291418.2, NM_001410742.1 and 2 more transcripts); c.-608G>C (NM_001291421.2); short protein forms A9P.
Identifiers: ClinVar variation 1714270 (VCV001714270.5), dbSNP rs2146440966, ClinGen allele CA413020117.

ClinVar aggregate classification (germline): Uncertain significance (1 of 4 stars; one submission).

Conditions:
Kabuki syndrome 2 (KABUK2). Also called: KDM6A-Related Kabuki Syndrome. Identifiers: Orphanet 2322, MedGen C3275495, MONDO:0010465, OMIM 300867.

Submission:

Labcorp Genetics (formerly Invitae), Labcorp
Classification: Uncertain significance for Kabuki syndrome 2. Last evaluated: 2022-07-29. Review status: criteria provided, single submitter. Criteria: Invitae Variant Classification Sherloc (09022015). Collection method: clinical testing. Allele origin: germline.
Comment: This variant has not been reported in the literature in individuals affected with KDM6A-related conditions. This sequence change replaces alanine, which is neutral and non-polar, with proline, which is neutral and non-polar, at codon 9 of the KDM6A protein (p.Ala9Pro). This variant is not present in population databases (gnomAD no frequency). Algorithms developed to predict the effect of missense changes on protein structure and function (SIFT, PolyPhen-2, Align-GVGD) all suggest that this variant is likely to be tolerated. In summary, the available evidence is currently insufficient to determine the role of this variant in disease. Therefore, it has been classified as a Variant of Uncertain Significance.